The following is an entry in ClinVar:

NM_004336.5(BUB1):c.268T>C (p.Tyr90His)

Gene: BUB1 (BUB1 mitotic checkpoint serine/threonine kinase; minus strand). Cytogenetic location: 2q13.
Variant type: single nucleotide variant.
Coding change: c.268T>C on transcript NM_004336.5 (MANE Select); coding-DNA position 268, T replaced by C.
Protein change: p.Tyr90His; replaces tyrosine 90 with histidine.
Molecular consequence: missense variant.
Genome position (GRCh38, 1-based): chr2:110,672,815, A>G on the plus strand (T>C on the coding strand, the complement: BUB1 is on the minus strand). VCF-style: chr2-110672815-A-G. GRCh37 (hg19) VCF-style: chr2-111430392-A-G.
Other names: c.208T>C, p.Tyr70His (NM_001278616.2); c.268T>C, p.Tyr90His (NM_001278617.2); short protein forms Y70H, Y90H.
Identifiers: ClinVar variation 1794792 (VCV001794792.5), dbSNP rs1370320840, ClinGen allele CA348220661.

ClinVar aggregate classification (germline): Uncertain significance. Review status: criteria provided, multiple submitters, no conflicts (2 of 4 stars). 2 submissions from 2 submitters: Uncertain significance (2). Last evaluated 2024-12-18.

Allele frequency attached by ClinVar (database versions not stated): gnomAD exomes below 0.00001; TOPMed below 0.00001.

Submissions (2):

Labcorp Genetics (formerly Invitae), Labcorp
Classification: Uncertain significance. Last evaluated: 2024-12-18. Review status: criteria provided, single submitter. Criteria: Invitae Variant Classification Sherloc (09022015). Collection method: clinical testing. Allele origin: germline.
Comment: This sequence change replaces tyrosine, which is neutral and polar, with histidine, which is basic and polar, at codon 90 of the BUB1 protein (p.Tyr90His). This variant is not present in population databases (gnomAD no frequency). This variant has not been reported in the literature in individuals affected with BUB1-related conditions. ClinVar contains an entry for this variant (Variation ID: 1794792). Experimental studies and prediction algorithms are not available or were not evaluated, and the functional significance of this variant is currently unknown. In summary, the available evidence is currently insufficient to determine the role of this variant in disease. Therefore, it has been classified as a Variant of Uncertain Significance.

Ambry Genetics
Classification: Uncertain significance. Last evaluated: 2024-09-06. Review status: criteria provided, single submitter. Criteria: Ambry Variant Classification Scheme 2023. Collection method: clinical testing. Allele origin: germline.
Comment: The p.Y90H variant (also known as c.268T>C), located in coding exon 4 of the BUB1 gene, results from a T to C substitution at nucleotide position 268. The tyrosine at codon 90 is replaced by histidine, an amino acid with similar properties. This amino acid position is conserved. In addition, this alteration is predicted to be tolerated by in silico analysis. Since supporting evidence is limited at this time, the clinical significance of this alteration remains unclear.